The following is an entry in ClinVar:

ClinVar aggregate classification (germline): Pathogenic (1 of 4 stars; one submission).

Conditions:
Juvenile nephropathic cystinosis. Also called: Intermediate Cystinosis; Later-Onset (Juvenile) Cystinosis; CYSTINOSIS, LATE-ONSET JUVENILE OR ADOLESCENT NEPHROPATHIC TYPE. Identifiers: Orphanet 213, Orphanet 411634, MedGen C0268626, MONDO:0009066, OMIM 219900.
Inborn genetic diseases. Identifiers: MedGen C0950123, MeSH D030342.
Ocular cystinosis. Also called: Non-Nephropathic Cystinosis; Non-Nephropathic (Ocular) Cystinosis. Identifiers: Orphanet 213, Orphanet 411641, MedGen C2931013, MONDO:0009064, OMIM 219750.

Submission:

Labcorp Genetics (formerly Invitae), Labcorp
Classification: Pathogenic for Inborn genetic diseases; Ocular cystinosis; Juvenile nephropathic cystinosis. Last evaluated: 2021-08-04. Review status: criteria provided, single submitter. Criteria: Invitae Variant Classification Sherloc (09022015). Collection method: clinical testing. Allele origin: germline.
Comment: This sequence change creates a premature translational stop signal (p.Leu180Profs*15) in the CTNS gene. It is expected to result in an absent or disrupted protein product. Loss-of-function variants in CTNS are known to be pathogenic (PMID: 9537412, 27102039). This variant is not present in population databases (ExAC no frequency). This variant has not been reported in the literature in individuals affected with CTNS-related conditions. For these reasons, this variant has been classified as Pathogenic.

Literature cited by the submitters: PubMed 9537412; PubMed 27102039.

NM_004937.3(CTNS):c.539_551del (p.Leu180fs)

Genes: CTNS (cystinosin, lysosomal cystine transporter; plus strand), CTNS-AS1 (CTNS antisense RNA 1; minus strand). Cytogenetic location: 17p13.2.
Variant type: Deletion.
Coding change: c.539_551del on transcript NM_004937.3 (MANE Select); coding-DNA positions 539 to 551, 13 bases deleted (TCCTCTGGGTGCC).
Protein change: p.Leu180fs; shifts the reading frame from leucine 180.
Molecular consequence: frameshift variant.
Genome position (GRCh38, 1-based): chr17:3,656,564-3,656,576, TCCTCTGGGTGCC deleted; deleting any 13 consecutive bases within chr17:3,656,561-3,656,576 gives the same sequence; the c. name uses the placement nearest the transcript's 3' end. VCF-style (leftmost placement, unchanged base first): chr17-3656560-GGCCTCCTCTGGGT-G. GRCh37 (hg19) VCF-style: chr17-3559854-GGCCTCCTCTGGGT-G.
Other names: c.539_551del, p.Leu180fs (NM_001031681.3, NM_001374492.1); c.98_110del, p.Leu33fs (NM_001374493.1, NM_001374494.1, NM_001374495.1 and 1 more transcripts); short protein forms L33fs, L180fs.
Identifiers: ClinVar variation 1362222 (VCV001362222.8), dbSNP rs2150922730, ClinGen allele CA2573153166.
Genomic context (GRCh38, chr17:3,656,560, plus strand): 5'-AGCTTCGACTTCGTGGCTCTGAACCTGACGGGCTTCGTGGCCTACAGTGTATTCAACATC[GGCCTCCTCTGGGT>G]GCCCTACATCAAGGTACGGCCTTGCCTGCCCTACATCTCTGCCCACATGGCGTGGTGGCC-3'